The following is an entry in ClinVar:

NM_000059.4(BRCA2):c.8481T>A (p.Pro2827=)

Gene: BRCA2 (BRCA2 DNA repair associated; plus strand). Cytogenetic location: 13q13.1.
Variant type: single nucleotide variant.
Coding change: c.8481T>A on transcript NM_000059.4 (MANE Select); coding-DNA position 8481, T replaced by A.
Protein change: p.Pro2827=; no amino-acid change (proline 2827 retained).
Molecular consequence: synonymous variant.
Genome position (GRCh38, 1-based): chr13:32,370,551, T>A. VCF-style: chr13-32370551-T-A. GRCh37 (hg19) VCF-style: chr13-32944688-T-A.
Identifiers: ClinVar variation 390142 (VCV000390142.2), dbSNP rs1057523655, ClinGen allele CA16606449.

ClinVar aggregate classification (germline): Likely benign. Review status: criteria provided, multiple submitters, no conflicts (2 of 4 stars). 2 submissions from 2 submitters: Likely benign (2). Last evaluated 2025-06-24.

Conditions:
Hereditary cancer-predisposing syndrome. Also called: Hereditary Cancer Syndrome; Hereditary neoplastic syndrome; Neoplastic Syndromes, Hereditary; Tumor predisposition. Identifiers: Orphanet 140162, MedGen C0027672, MeSH D009386, MONDO:0015356.

Submissions (2):

Ambry Genetics
Classification: Likely benign for Hereditary cancer-predisposing syndrome. Last evaluated: 2025-06-24. Review status: criteria provided, single submitter. Criteria: Ambry Variant Classification Scheme 2023. Collection method: clinical testing. Allele origin: germline.

GeneDx
Classification: Likely benign. Last evaluated: 2016-10-18. Review status: criteria provided, single submitter. Criteria: GeneDx Variant Classification (06012015). Collection method: clinical testing. Allele origin: germline. Affected: yes.
Comment: This variant is considered likely benign or benign based on one or more of the following criteria: it is a conservative change, it occurs at a poorly conserved position in the protein, it is predicted to be benign by multiple in silico algorithms, and/or has population frequency not consistent with disease.